The following is an entry in ClinVar:

NM_001197104.2(KMT2A):c.1568G>A (p.Ser523Asn)

Gene: KMT2A (lysine methyltransferase 2A; plus strand). Cytogenetic location: 11q23.3.
Variant type: single nucleotide variant.
Coding change: c.1568G>A on transcript NM_001197104.2 (MANE Select); coding-DNA position 1568, G replaced by A.
Protein change: p.Ser523Asn; replaces serine 523 with asparagine.
Molecular consequence: missense variant.
Genome position (GRCh38, 1-based): chr11:118,472,727, G>A. VCF-style: chr11-118472727-G-A. GRCh37 (hg19) VCF-style: chr11-118343442-G-A.
Other names: c.1667G>A, p.Ser556Asn (NM_001412597.1); c.1568G>A, p.Ser523Asn (NM_005933.4); short protein forms S523N, S556N.
Identifiers: ClinVar variation 2181188 (VCV002181188.4), dbSNP rs781818869, ClinGen allele CA6303419.

ClinVar aggregate classification (germline): Uncertain significance (1 of 4 stars; one submission).

Allele frequency attached by ClinVar (database versions not stated): gnomAD 0.00001; TOPMed 0.00001.
gnomAD v4.1: 6 of 1,613,574 alleles (0.00037%); highest among the groups gnomAD compares: East Asian, 0.0045%; no homozygotes.

Submission:

Labcorp Genetics (formerly Invitae), Labcorp
Classification: Uncertain significance. Last evaluated: 2024-01-06. Review status: criteria provided, single submitter. Criteria: Invitae Variant Classification Sherloc (09022015). Collection method: clinical testing. Allele origin: germline.
Comment: This sequence change replaces serine, which is neutral and polar, with asparagine, which is neutral and polar, at codon 523 of the KMT2A protein (p.Ser523Asn). This variant is present in population databases (rs781818869, gnomAD 0.006%). This variant has not been reported in the literature in individuals affected with KMT2A-related conditions. ClinVar contains an entry for this variant (Variation ID: 2181188). Advanced modeling of protein sequence and biophysical properties (such as structural, functional, and spatial information, amino acid conservation, physicochemical variation, residue mobility, and thermodynamic stability) performed at Invitae indicates that this missense variant is not expected to disrupt KMT2A protein function with a negative predictive value of 95%. In summary, the available evidence is currently insufficient to determine the role of this variant in disease. Therefore, it has been classified as a Variant of Uncertain Significance.